The following is an entry in ClinVar:

NM_000135.4(FANCA):c.1336C>G (p.Leu446Val)

Gene: FANCA (FA complementation group A; minus strand). Cytogenetic location: 16q24.3.
Variant type: single nucleotide variant.
Coding change: c.1336C>G on transcript NM_000135.4 (MANE Select); coding-DNA position 1336, C replaced by G.
Protein change: p.Leu446Val; replaces leucine 446 with valine.
Molecular consequence: missense variant.
Genome position (GRCh38, 1-based): chr16:89,791,426, G>C on the plus strand (C>G on the coding strand, the complement: FANCA is on the minus strand). VCF-style: chr16-89791426-G-C. GRCh37 (hg19) VCF-style: chr16-89857834-G-C.
Other names: c.1336C>G, p.Leu446Val (NM_001286167.3); short protein forms L446V.
Identifiers: ClinVar variation 2502694 (VCV002502694.3), dbSNP rs762365764, ClinGen allele CA397463755.

ClinVar aggregate classification (germline): Uncertain significance. Review status: criteria provided, multiple submitters, no conflicts (2 of 4 stars). 2 submissions from 2 submitters: Uncertain significance (2). Last evaluated 2025-01-25.

Conditions:
Inborn genetic diseases. Identifiers: MedGen C0950123, MeSH D030342.

Submissions (2):

GeneDx
Classification: Uncertain significance. Last evaluated: 2025-01-25. Review status: criteria provided, single submitter. Criteria: GeneDx Variant Classification Process June 2021. Collection method: clinical testing. Allele origin: germline.
Comment: Not observed at significant frequency in large population cohorts (gnomAD); In silico analysis indicates that this missense variant does not alter protein structure/function; Has not been previously published as pathogenic or benign to our knowledge

Ambry Genetics
Classification: Uncertain significance for Inborn genetic diseases. Last evaluated: 2024-11-22. Review status: criteria provided, single submitter. Criteria: Ambry Variant Classification Scheme 2023. Collection method: clinical testing. Allele origin: germline.
Comment: The p.L446V variant (also known as c.1336C>G), located in coding exon 14 of the FANCA gene, results from a C to G substitution at nucleotide position 1336. The leucine at codon 446 is replaced by valine, an amino acid with highly similar properties. This amino acid position is conserved. In addition, this alteration is predicted to be tolerated by in silico analysis. Based on the available evidence, the clinical significance of this variant remains unclear.